The following is an entry in ClinVar:

ClinVar aggregate classification (germline): Uncertain significance (1 of 4 stars; one submission).

Conditions:
Inborn genetic diseases. Identifiers: MedGen C0950123, MeSH D030342.

Submission:

Ambry Genetics
Classification: Uncertain significance for Inborn genetic diseases. Last evaluated: 2017-02-10. Review status: criteria provided, single submitter. Criteria: Ambry Variant Classification Scheme 2023. Collection method: clinical testing. Allele origin: germline.
Comment: The p.E1528Q variant (also known as c.4582G>C), located in coding exon 28 of the CACNA1A gene, results from a G to C substitution at nucleotide position 4582. The glutamic acid at codon 1528 is replaced by glutamine, an amino acid with highly similar properties. This amino acid position is highly conserved in available vertebrate species. In addition, the in silico prediction for this alteration is inconclusive. Since supporting evidence is limited at this time, the clinical significance of this alteration remains unclear.

NM_001127222.2(CACNA1A):c.4579G>C (p.Glu1527Gln)

Gene: CACNA1A (calcium voltage-gated channel subunit alpha1 A; minus strand). Cytogenetic location: 19p13.13.
Variant type: single nucleotide variant.
Coding change: c.4579G>C on transcript NM_001127222.2 (MANE Select); coding-DNA position 4579, G replaced by C.
Protein change: p.Glu1527Gln; replaces glutamic acid 1527 with glutamine.
Molecular consequence: missense variant.
Genome position (GRCh38, 1-based): chr19:13,257,361, C>G on the plus strand (G>C on the coding strand, the complement: CACNA1A is on the minus strand). VCF-style: chr19-13257361-C-G. GRCh37 (hg19) VCF-style: chr19-13368175-C-G.
Other names: c.4591G>C, p.Glu1531Gln (NM_000068.4, NM_023035.3); c.4582G>C, p.Glu1528Gln (NM_001127221.2, NM_001174080.2); short protein forms E1528Q, E1531Q, E1527Q.
Identifiers: ClinVar variation 588778 (VCV000588778.5), dbSNP rs1568468148, ClinGen allele CA404338733.